The following is an entry in ClinVar:

ClinVar aggregate classification (germline): Pathogenic. Review status: criteria provided, multiple submitters, no conflicts (2 of 4 stars). 3 submissions from 3 submitters: Pathogenic (3). Last evaluated 2025-01-27.

Conditions:
Severe X-linked myotubular myopathy (CNMX). Also called: Myotubular myopathy, X-linked; MYOTUBULAR MYOPATHY 1; X-linked centronuclear myopathy. Identifiers: Orphanet 596, MedGen C0410203, MONDO:0010683, OMIM 310400.

Submissions (3):

Natera, Inc.
Classification: Pathogenic for Severe X-linked myotubular myopathy. Last evaluated: 2025-01-27. Review status: criteria provided, single submitter. Criteria: Natera Variant Classification Schema (03/2026). Collection method: clinical testing. Allele origin: germline.
Comment: The c.528+1G>A variant in MTM1 is a canonical splice donor site variant predicted to affect pre-mRNA splicing, which may result in an abnormal transcript and altered protein product. This variant is expected to result in nonsense mediated decay, truncation, or a dysfunctional protein product. This variant is rare in the general population with a frequency below the threshold expected for the associated phenotype(s). This variant has been observed in affected individual(s) with monoallelic occurrence (heterozygous/hemizygous) (PMID: 9305655, 11793470, 12522554, 15725586, 34134972). This variant has been observed to segregate in affected family members (PMID: 15725586). Given the available evidence, this variant is classified as Pathogenic.

GeneDx
Classification: Pathogenic. Last evaluated: 2024-01-02. Review status: criteria provided, single submitter. Criteria: GeneDx Variant Classification Process June 2021. Collection method: clinical testing. Allele origin: germline. Affected: yes.
Comment: Canonical splice site variant predicted to result in an in-frame loss of the adjacent exon in a gene for which loss of function is a known mechanism of disease; Deletions involving coding exons of this gene are a known mechanism of disease (HGMD); Not observed at significant frequency in large population cohorts (gnomAD); This variant is associated with the following publications: (PMID: 25525159, 34134972, 9305655, 11793470, 15725586)

Labcorp Genetics (formerly Invitae), Labcorp
Classification: Pathogenic for Severe X-linked myotubular myopathy. Last evaluated: 2022-04-06. Review status: criteria provided, single submitter. Criteria: Invitae Variant Classification Sherloc (09022015). Collection method: clinical testing. Allele origin: germline.
Comment: This variant is not present in population databases (gnomAD no frequency). For these reasons, this variant has been classified as Pathogenic. Algorithms developed to predict the effect of sequence changes on RNA splicing suggest that this variant may disrupt the consensus splice site. This variant is also known as G(582+1)A. Disruption of this splice site has been observed in individuals with X-linked myotubular myopathy (PMID: 9305655, 11793470). This sequence change affects a donor splice site in intron 7 of the MTM1 gene. It is expected to disrupt RNA splicing. Variants that disrupt the donor or acceptor splice site typically lead to a loss of protein function (PMID: 16199547), and loss-of-function variants in MTM1 are known to be pathogenic (PMID: 9305655, 10063835).

Literature cited by the submitters: PubMed 9305655 (cited by Natera, Inc. and Labcorp Genetics (formerly Invitae), Labcorp); PubMed 11793470 (cited by Natera, Inc. and Labcorp Genetics (formerly Invitae), Labcorp); PubMed 12522554 (cited by Natera, Inc.); PubMed 15725586 (cited by Natera, Inc.); PubMed 34134972 (cited by Natera, Inc.); PubMed 16199547 (cited by Labcorp Genetics (formerly Invitae), Labcorp); PubMed 10063835 (cited by Labcorp Genetics (formerly Invitae), Labcorp).

NM_000252.3(MTM1):c.528+1G>A

Gene: MTM1 (myotubularin 1; plus strand). Cytogenetic location: Xq28.
Variant type: single nucleotide variant.
Coding change: c.528+1G>A on transcript NM_000252.3 (MANE Select); the canonical splice donor site of the intron after coding-DNA position 528, G replaced by A.
Molecular consequence: splice donor variant.
Genome position (GRCh38, 1-based): chrX:150,639,027, G>A. VCF-style: chrX-150639027-G-A. GRCh37 (hg19) VCF-style: chrX-149807500-G-A.
Other names: c.528+1G>A (NM_000252.2, NM_001376908.1, NM_001376906.1); c.417+1G>A (NM_001376907.1).
Identifiers: ClinVar variation 2138753 (VCV002138753.7), dbSNP rs587783830, ClinGen allele CA415255860.